The following is an entry in ClinVar:

NM_152296.5(ATP1A3):c.2974G>A (p.Asp992Asn)

Gene: ATP1A3 (ATPase Na+/K+ transporting subunit alpha 3; minus strand). Cytogenetic location: 19q13.2.
Variant type: single nucleotide variant.
Coding change: c.2974G>A on transcript NM_152296.5 (MANE Select); coding-DNA position 2974, G replaced by A.
Protein change: p.Asp992Asn; replaces aspartic acid 992 with asparagine.
Molecular consequence: missense variant.
Genome position (GRCh38, 1-based): chr19:41,967,288, C>T on the plus strand (G>A on the coding strand, the complement: ATP1A3 is on the minus strand). VCF-style: chr19-41967288-C-T. GRCh37 (hg19) VCF-style: chr19-42471440-C-T.
Other names: c.3007G>A, p.Asp1003Asn (NM_001256213.2); c.3013G>A, p.Asp1005Asn (NM_001256214.2); short protein forms D1003N, D1005N, D992N.
Identifiers: ClinVar variation 1303306 (VCV001303306.11), dbSNP rs606231447, ClinGen allele CA406035073.

ClinVar aggregate classification (germline): Conflicting classifications of pathogenicity. Review status: criteria provided, conflicting classifications (1 of 4 stars). 2 submissions from 2 submitters: Likely pathogenic (1); Uncertain significance (1). Last evaluated 2025-07-09.

Conditions:
Dystonia 12 (DYT12). Also called: Rapid-Onset Dystonia-Parkinsonism (RDP); DYT-ATP1A3. Identifiers: Orphanet 71517, MedGen C1868681, MONDO:0007496, OMIM 128235.

Allele frequency attached by ClinVar (database versions not stated): gnomAD exomes below 0.00001; 1000 Genomes Project 30x 0.00016.

Submissions (2):

GeneDx
Classification: Likely pathogenic. Last evaluated: 2025-07-09. Review status: criteria provided, single submitter. Criteria: GeneDx Variant Classification Process June 2021. Collection method: clinical testing. Allele origin: germline. Affected: yes.
Comment: Not observed at significant frequency in large population cohorts (gnomAD); In silico analysis supports that this missense variant has a deleterious effect on protein structure/function; Has not been previously published as pathogenic or benign to our knowledge

Labcorp Genetics (formerly Invitae), Labcorp
Classification: Uncertain significance for Dystonia 12. Last evaluated: 2023-08-31. Review status: criteria provided, single submitter. Criteria: Invitae Variant Classification Sherloc (09022015). Collection method: clinical testing. Allele origin: germline.
Comment: This variant is present in population databases (no rsID available, gnomAD 0.0009%). This sequence change replaces aspartic acid, which is acidic and polar, with asparagine, which is neutral and polar, at codon 992 of the ATP1A3 protein (p.Asp992Asn). Advanced modeling of protein sequence and biophysical properties (such as structural, functional, and spatial information, amino acid conservation, physicochemical variation, residue mobility, and thermodynamic stability) performed at Invitae indicates that this missense variant is expected to disrupt ATP1A3 protein function. ClinVar contains an entry for this variant (Variation ID: 1303306). This missense change has been observed in individual(s) with clinical features of ATP1A3-related conditions (Invitae). This variant disrupts the p.Asp992 amino acid residue in ATP1A3. Other variant(s) that disrupt this residue have been observed in individuals with ATP1A3-related conditions (PMID: 22842232), which suggests that this may be a clinically significant amino acid residue. In summary, the available evidence is currently insufficient to determine the role of this variant in disease. Therefore, it has been classified as a Variant of Uncertain Significance.

Literature cited by the submitters: PubMed 22842232 (cited by Labcorp Genetics (formerly Invitae), Labcorp).